The following is an entry in ClinVar:

ClinVar aggregate classification (germline): Likely pathogenic (1 of 4 stars; one submission).

Allele frequency attached by ClinVar (database versions not stated): gnomAD exomes below 0.00001; TOPMed below 0.00001.
gnomAD v4.1: 2 of 1,613,942 alleles (0.00012%); highest among the groups gnomAD compares: Non-Finnish European, 0.00017%; no homozygotes.

Submission:

Labcorp Genetics (formerly Invitae), Labcorp
Classification: Likely pathogenic. Last evaluated: 2022-08-21. Review status: criteria provided, single submitter. Criteria: Invitae Variant Classification Sherloc (09022015). Collection method: clinical testing. Allele origin: germline.
Comment: This sequence change affects an acceptor splice site in intron 31 of the LAMA3 gene. It is expected to disrupt RNA splicing. Variants that disrupt the donor or acceptor splice site typically lead to a loss of protein function (PMID: 16199547), and loss-of-function variants in LAMA3 are known to be pathogenic (PMID: 10366601, 11810295, 12915477, 16473856, 17362460, 22434185, 23869449, 27827380, 28087116). In summary, the currently available evidence indicates that the variant is pathogenic, but additional data are needed to prove that conclusively. Therefore, this variant has been classified as Likely Pathogenic. Algorithms developed to predict the effect of sequence changes on RNA splicing suggest that this variant may disrupt the consensus splice site. This variant has not been reported in the literature in individuals affected with LAMA3-related conditions. This variant is not present in population databases (gnomAD no frequency).

Literature cited by the submitters: PubMed 16199547; PubMed 10366601; PubMed 11810295; PubMed 12915477; PubMed 16473856; PubMed 17362460; PubMed 22434185; PubMed 23869449; PubMed 27827380; PubMed 28087116.

NM_198129.4(LAMA3):c.9027-2A>G

Gene: LAMA3 (laminin subunit alpha 3; plus strand). Cytogenetic location: 18q11.2.
Variant type: single nucleotide variant.
Coding change: c.9027-2A>G on transcript NM_198129.4 (MANE Select); the canonical splice acceptor site of the intron before coding-DNA position 9027, A replaced by G.
Molecular consequence: splice acceptor variant.
Genome position (GRCh38, 1-based): chr18:23,943,786, A>G. VCF-style: chr18-23943786-A-G. GRCh37 (hg19) VCF-style: chr18-21523750-A-G.
Other names: c.8859-2A>G (NM_001127717.4); c.4200-2A>G (NM_000227.6); c.4032-2A>G (NM_001127718.4).
Identifiers: ClinVar variation 2025673 (VCV002025673.4), dbSNP rs2082610932, ClinGen allele CA402049280.